The following is an entry in ClinVar:

ClinVar aggregate classification (germline): Uncertain significance (1 of 4 stars; one submission).

Conditions:
3-methylglutaconic aciduria type 1 (MGCA1). Identifiers: Orphanet 67046, MedGen C0342727, MONDO:0009610, OMIM 250950.

gnomAD v4.1: 1 of 1,549,628 alleles (0.000065%); highest among the groups gnomAD compares: Admixed American, 0.002%; no homozygotes.

Submission:

Labcorp Genetics (formerly Invitae), Labcorp
Classification: Uncertain significance for 3-methylglutaconic aciduria type 1. Last evaluated: 2024-06-08. Review status: criteria provided, single submitter. Criteria: Invitae Variant Classification Sherloc (09022015). Collection method: clinical testing. Allele origin: germline.
Comment: This sequence change replaces valine, which is neutral and non-polar, with leucine, which is neutral and non-polar, at codon 55 of the AUH protein (p.Val55Leu). This variant is present in population databases (no rsID available, gnomAD 0.004%). This variant has not been reported in the literature in individuals affected with AUH-related conditions. An algorithm developed to predict the effect of missense changes on protein structure and function (PolyPhen-2) suggests that this variant is likely to be tolerated. In summary, the available evidence is currently insufficient to determine the role of this variant in disease. Therefore, it has been classified as a Variant of Uncertain Significance.

NM_001698.3(AUH):c.163G>C (p.Val55Leu)

Genes: AUH (AU RNA binding methylglutaconyl-CoA hydratase; minus strand), LOC130002059 (ATAC-STARR-seq lymphoblastoid silent region 20025; plus strand). Cytogenetic location: 9q22.31.
Variant type: single nucleotide variant.
Coding change: c.163G>C on transcript NM_001698.3 (MANE Select); coding-DNA position 163, G replaced by C.
Protein change: p.Val55Leu; replaces valine 55 with leucine.
Molecular consequence: missense variant. On other transcripts: 5 prime UTR variant (3).
Genome position (GRCh38, 1-based): chr9:91,361,727, C>G on the plus strand (G>C on the coding strand, the complement: AUH is on the minus strand). VCF-style: chr9-91361727-C-G. GRCh37 (hg19) VCF-style: chr9-94124009-C-G.
Other names: c.163G>C, p.Val55Leu (NM_001306190.2); c.-235G>C (NM_001351431.2, NM_001351433.2); c.-327G>C (NM_001351432.2); short protein forms V55L.
Identifiers: ClinVar variation 3604079 (VCV003604079.2).